The following is an entry in ClinVar:

ClinVar aggregate classification (germline): Uncertain significance (1 of 4 stars; one submission).

Submission:

Laboratorio de Genetica e Diagnostico Molecular, Hospital Israelita Albert Einstein
Classification: Uncertain significance. Last evaluated: 2021-09-16. Review status: criteria provided, single submitter. Criteria: ACMG Guidelines, 2015. Collection method: clinical testing. Allele origin: germline. Affected: yes.
Comment: ACMG classification criteria: PM2

NM_000069.3(CACNA1S):c.1347C>G (p.Ile449Met)

Gene: CACNA1S (calcium voltage-gated channel subunit alpha1 S; minus strand). Cytogenetic location: 1q32.1.
Variant type: single nucleotide variant.
Coding change: c.1347C>G on transcript NM_000069.3 (MANE Select); coding-DNA position 1347, C replaced by G.
Protein change: p.Ile449Met; replaces isoleucine 449 with methionine.
Molecular consequence: missense variant.
Genome position (GRCh38, 1-based): chr1:201,083,208, G>C on the plus strand (C>G on the coding strand, the complement: CACNA1S is on the minus strand). VCF-style: chr1-201083208-G-C. GRCh37 (hg19) VCF-style: chr1-201052336-G-C.
Other names: short protein forms I449M.
Identifiers: ClinVar variation 1690450 (VCV001690450.2), dbSNP rs754689047, ClinGen allele CA344125388.